The following is an entry in ClinVar:

NM_014806.5(RUSC2):c.1850G>T (p.Trp617Leu)

Gene: RUSC2 (RUN and SH3 domain containing 2; plus strand). Cytogenetic location: 9p13.3.
Variant type: single nucleotide variant.
Coding change: c.1850G>T on transcript NM_014806.5 (MANE Select); coding-DNA position 1850, G replaced by T.
Protein change: p.Trp617Leu; replaces tryptophan 617 with leucine.
Molecular consequence: missense variant. On other transcripts: intron variant (1).
Genome position (GRCh38, 1-based): chr9:35,548,371, G>T. VCF-style: chr9-35548371-G-T. GRCh37 (hg19) VCF-style: chr9-35548368-G-T.
Other names: c.1850G>T, p.Trp617Leu (NM_001135999.2); c.-620-6689G>T (NM_001330740.2); short protein forms W617L.
Identifiers: ClinVar variation 1393216 (VCV001393216.8), dbSNP rs1260954855, ClinGen allele CA373336227.

ClinVar aggregate classification (germline): Uncertain significance (1 of 4 stars; one submission).

gnomAD v4.1: 4 of 1,614,054 alleles (0.00025%); highest among the groups gnomAD compares: Middle Eastern, 0.016%; no homozygotes.

Submission:

Labcorp Genetics (formerly Invitae), Labcorp
Classification: Uncertain significance. Last evaluated: 2021-02-26. Review status: criteria provided, single submitter. Criteria: Invitae Variant Classification Sherloc (09022015). Collection method: clinical testing. Allele origin: germline.
Comment: In summary, the available evidence is currently insufficient to determine the role of this variant in disease. Therefore, it has been classified as a Variant of Uncertain Significance. Algorithms developed to predict the effect of missense changes on protein structure and function (SIFT, PolyPhen-2, Align-GVGD) all suggest that this variant is likely to be tolerated, but these predictions have not been confirmed by published functional studies and their clinical significance is uncertain. This variant has not been reported in the literature in individuals with RUSC2-related conditions. This variant is not present in population databases (ExAC no frequency). This sequence change replaces tryptophan with leucine at codon 617 of the RUSC2 protein (p.Trp617Leu). The tryptophan residue is moderately conserved and there is a small physicochemical difference between tryptophan and leucine.